The following is an entry in ClinVar:

NM_005591.4(MRE11):c.*1766G>C

Gene: MRE11 (MRE11 homolog, double strand break repair nuclease; minus strand). Cytogenetic location: 11q21.
Variant type: single nucleotide variant.
Coding change: c.*1766G>C on transcript NM_005591.4 (MANE Select); 1766 bases downstream of the stop codon, G replaced by C.
Molecular consequence: 3 prime UTR variant.
Genome position (GRCh38, 1-based): chr11:94,418,359, C>G on the plus strand (G>C on the coding strand, the complement: MRE11 is on the minus strand). VCF-style: chr11-94418359-C-G. GRCh37 (hg19) VCF-style: chr11-94151525-C-G.
Other names: c.*1766G>C (NM_001330347.2, NM_005590.4).
Identifiers: ClinVar variation 306459 (VCV000306459.5), dbSNP rs13447752, ClinGen allele CA10631725.

ClinVar aggregate classification (germline): Benign (1 of 4 stars; one submission).

Conditions:
Ataxia-telangiectasia-like disorder 1 (ATLD1). Identifiers: Orphanet 251347, MedGen C4012790, MONDO:0024557, OMIM 604391.

Allele frequency attached by ClinVar (database versions not stated): gnomAD exomes 0.00147; gnomAD 0.00804 and 0.00867; TOPMed 0.00855; 1000 Genomes Project 30x 0.00937; 1000 Genomes Project 0.00998.
gnomAD v4.1: 1,346 of 232,784 alleles (0.58%); highest among the groups gnomAD compares: African/African-American, 2.8%; 19 homozygotes.

Submission:

Illumina Laboratory Services, Illumina
Classification: Benign for Ataxia-telangiectasia-like disorder 1. Last evaluated: 2018-01-12. Review status: criteria provided, single submitter. Criteria: ICSL Variant Classification Criteria 13 December 2019. Collection method: clinical testing. Allele origin: germline.
Comment: This variant was observed in the ICSL laboratory as part of a predisposition screen in an ostensibly healthy population. It had not been previously curated by ICSL or reported in the Human Gene Mutation Database (HGMD: prior to June 1st, 2018), and was therefore a candidate for classification through an automated scoring system. Utilizing variant allele frequency, disease prevalence and penetrance estimates, and inheritance mode, an automated score was calculated to assess if this variant is too frequent to cause the disease. Based on the score and internal cut-off values, a variant classified as benign is not then subjected to further curation. The score for this variant resulted in a classification of benign for this disease.